The following is an entry in ClinVar:

NM_003072.5(SMARCA4):c.1126G>T (p.Ala376Ser)

Gene: SMARCA4 (SWI/SNF related BAF chromatin remodeling complex subunit ATPase 4; plus strand). Cytogenetic location: 19p13.2.
Variant type: single nucleotide variant.
Coding change: c.1126G>T on transcript NM_003072.5 (MANE Select); coding-DNA position 1126, G replaced by T.
Protein change: p.Ala376Ser; replaces alanine 376 with serine.
Molecular consequence: missense variant. On other transcripts: non-coding transcript variant (1).
Genome position (GRCh38, 1-based): chr19:10,989,324, G>T. VCF-style: chr19-10989324-G-T. GRCh37 (hg19) VCF-style: chr19-11100000-G-T.
Other names: c.1126G>T, p.Ala376Ser (NM_001128844.3, NM_001128845.2, NM_001128846.2 and 4 more transcripts); short protein forms A376S.
Identifiers: ClinVar variation 822227 (VCV000822227.4), dbSNP rs1599994983, ClinGen allele CA404059363.

ClinVar aggregate classification (germline): Uncertain significance (1 of 4 stars; one submission).

Conditions:
Hereditary cancer-predisposing syndrome. Also called: Tumor predisposition; Hereditary Cancer Syndrome; Neoplastic Syndromes, Hereditary; Hereditary neoplastic syndrome. Identifiers: Orphanet 140162, MedGen C0027672, MeSH D009386, MONDO:0015356.

Submission:

Ambry Genetics
Classification: Uncertain significance for Hereditary cancer-predisposing syndrome. Last evaluated: 2019-02-05. Review status: criteria provided, single submitter. Criteria: Ambry Variant Classification Scheme 2023. Collection method: clinical testing. Allele origin: germline.
Comment: The p.A376S variant (also known as c.1126G>T), located in coding exon 6 of the SMARCA4 gene, results from a G to T substitution at nucleotide position 1126. The alanine at codon 376 is replaced by serine, an amino acid with similar properties. This amino acid position is highly conserved in available vertebrate species. In addition, the in silico prediction for this alteration is inconclusive. Since supporting evidence is limited at this time, the clinical significance of this alteration remains unclear.